The following is an entry in ClinVar:

ClinVar aggregate classification (germline): Uncertain significance (1 of 4 stars; one submission).

Conditions:
Hyperaldosteronism, familial, type IV (HALD4). Also called: FH IV; ALDOSTERONISM, PRIMARY, AND HYPERTENSION. Identifiers: Orphanet 642671, MedGen C4310756, MONDO:0014875, OMIM 617027.
Idiopathic generalized epilepsy. Also called: Generalised epilepsy; EIG. Identifiers: MedGen C0270850, MONDO:0005579, OMIM 600669.

Submission:

Labcorp Genetics (formerly Invitae), Labcorp
Classification: Uncertain significance for Idiopathic generalized epilepsy; Hyperaldosteronism, familial, type IV. Last evaluated: 2020-07-10. Review status: criteria provided, single submitter. Criteria: Invitae Variant Classification Sherloc (09022015). Collection method: clinical testing. Allele origin: germline.
Comment: This variant, c.724_726del, results in the deletion of 1 amino acid(s) of the CACNA1H protein (p.Phe242del), but otherwise preserves the integrity of the reading frame. Experimental studies and prediction algorithms are not available or were not evaluated, and the functional significance of this variant is currently unknown. This variant has not been reported in the literature in individuals with CACNA1H-related conditions. This variant is present in population databases (rs748582978, ExAC 0.002%). In summary, the available evidence is currently insufficient to determine the role of this variant in disease. Therefore, it has been classified as a Variant of Uncertain Significance.

NM_021098.3(CACNA1H):c.721TTC[1] (p.Phe242del)

Gene: CACNA1H (calcium voltage-gated channel subunit alpha1 H; plus strand). Cytogenetic location: 16p13.3.
Variant type: Microsatellite.
Coding change: c.721TTC[1] on transcript NM_021098.3 (MANE Select); one copy of the 3-base unit TTC starting at c.721; the reference has two copies in a row; one copy, 3 bases deleted.
Protein change: p.Phe242del; deletes phenylalanine 242.
Molecular consequence: inframe deletion.
Genome position (GRCh38, 1-based): chr16:1,198,695-1,198,697, TTC deleted; deleting any 3 consecutive bases within chr16:1,198,690-1,198,697 gives the same sequence; the position shown is the placement nearest the transcript's 3' end. VCF-style (leftmost placement, unchanged base first): chr16-1198689-GTCT-G. GRCh37 (hg19) VCF-style: chr16-1248689-GTCT-G.
Other names: c.721TTC[1], p.Phe242del (NM_001005407.2); short protein forms F242del.
Identifiers: ClinVar variation 1057766 (VCV001057766.9), dbSNP rs748582978, ClinGen allele CA7799593.
Genomic context (GRCh38, chr16:1,198,689, plus strand): 5'-GTCACTCTGCTGCTGGATACGCTGCCCATGCTCGGGAACGTCCTTCTGCTGTGCTTCTTC[GTCT>G]TCTTCATTTTCGGCATCGTTGGCGTCCAGCTCTGGGCTGGCCTCCTGCGGAACCGCTGCT-3'